The following is an entry in ClinVar:

ClinVar aggregate classification (germline): Pathogenic (1 of 4 stars; one submission).

Conditions:
Aicardi-Goutieres syndrome 4. Identifiers: Orphanet 51, MedGen C1835912, MONDO:0012472, OMIM 610333.

Submission:

Labcorp Genetics (formerly Invitae), Labcorp
Classification: Pathogenic for Aicardi-Goutieres syndrome 4. Last evaluated: 2022-04-22. Review status: criteria provided, single submitter. Criteria: Invitae Variant Classification Sherloc (09022015). Collection method: clinical testing. Allele origin: germline.
Comment: For these reasons, this variant has been classified as Pathogenic. Algorithms developed to predict the effect of sequence changes on RNA splicing suggest that this variant may disrupt the consensus splice site. This variant has not been reported in the literature in individuals affected with RNASEH2A-related conditions. This variant is not present in population databases (gnomAD no frequency). This sequence change creates a premature translational stop signal (p.Gly90Leufs*26) in the RNASEH2A gene. It is expected to result in an absent or disrupted protein product. Loss-of-function variants in RNASEH2A are known to be pathogenic (PMID: 21454563, 25274781).

Literature cited by the submitters: PubMed 21454563; PubMed 25274781.

NM_006397.3(RNASEH2A):c.263_267dup (p.Gly90fs)

Gene: RNASEH2A (ribonuclease H2 subunit A; plus strand). Cytogenetic location: 19p13.13.
Variant type: Duplication.
Coding change: c.263_267dup on transcript NM_006397.3 (MANE Select); coding-DNA positions 263 to 267, 5 bases duplicated (TTGTC; older notation c.263_267dupTTGTC).
Protein change: p.Gly90fs; shifts the reading frame from glycine 90.
Molecular consequence: frameshift variant.
Genome position (GRCh38, 1-based): chr19:12,807,269-12,807,273, TTGTC duplicated. VCF-style (leftmost placement, unchanged base first): chr19-12807268-T-TTTGTC. GRCh37 (hg19) VCF-style: chr19-12918082-T-TTTGTC.
Other names: short protein forms G90fs.
Identifiers: ClinVar variation 2129412 (VCV002129412.4), dbSNP rs2512890193, ClinGen allele CA645607232.